The following is an entry in ClinVar:

ClinVar aggregate classification (germline): Uncertain significance. Review status: criteria provided, multiple submitters, no conflicts (2 of 4 stars). 2 submissions from 2 submitters: Uncertain significance (2). Last evaluated 2023-03-21.

Conditions:
Primary ciliary dyskinesia. Also called: Ciliary dyskinesia. Identifiers: Orphanet 244, MedGen C0008780, MONDO:0016575, HP:0012265.

Allele frequency attached by ClinVar (database versions not stated): gnomAD exomes below 0.00001; gnomAD 0.00001; TOPMed 0.00002.
gnomAD v4.1: 4 of 1,546,246 alleles (0.00026%); highest among the groups gnomAD compares: African/African-American, 0.0014%; no homozygotes.

Submissions (2):

Ambry Genetics
Classification: Uncertain significance. Last evaluated: 2023-03-21. Review status: criteria provided, single submitter. Criteria: Ambry Variant Classification Scheme 2023. Collection method: clinical testing. Allele origin: germline.

Labcorp Genetics (formerly Invitae), Labcorp
Classification: Uncertain significance for Primary ciliary dyskinesia. Last evaluated: 2022-03-04. Review status: criteria provided, single submitter. Criteria: Invitae Variant Classification Sherloc (09022015). Collection method: clinical testing. Allele origin: germline.
Comment: This sequence change replaces threonine, which is neutral and polar, with alanine, which is neutral and non-polar, at codon 2033 of the DNAH8 protein (p.Thr2033Ala). This variant is not present in population databases (gnomAD no frequency). This variant has not been reported in the literature in individuals affected with DNAH8-related conditions. ClinVar contains an entry for this variant (Variation ID: 934308). Algorithms developed to predict the effect of missense changes on protein structure and function are either unavailable or do not agree on the potential impact of this missense change (SIFT: "Deleterious"; PolyPhen-2: "Not Available"; Align-GVGD: "Class C0"). In summary, the available evidence is currently insufficient to determine the role of this variant in disease. Therefore, it has been classified as a Variant of Uncertain Significance.

NM_001206927.2(DNAH8):c.6097A>G (p.Thr2033Ala)

Gene: DNAH8 (dynein axonemal heavy chain 8; plus strand). Cytogenetic location: 6p21.2.
Variant type: single nucleotide variant.
Coding change: c.6097A>G on transcript NM_001206927.2 (MANE Select); coding-DNA position 6097, A replaced by G.
Protein change: p.Thr2033Ala; replaces threonine 2033 with alanine.
Molecular consequence: missense variant.
Genome position (GRCh38, 1-based): chr6:38,860,595, A>G. VCF-style: chr6-38860595-A-G. GRCh37 (hg19) VCF-style: chr6-38828371-A-G.
Other names: c.5446A>G, p.Thr1816Ala (NM_001371.4); short protein forms T2033A, T1816A.
Identifiers: ClinVar variation 934308 (VCV000934308.12), dbSNP rs1043207748, ClinGen allele CA137585864.
Genomic context (GRCh38, chr6:38,860,595, plus strand): 5'-CAAACTGTGGTGTCTATTACAGATGTTGATTTTATTTACCAAAATGAATTTCTGGGATGT[A>G]CTGATCGTCTTGTTATCACTCCATTAACAGATAGGTAGGAAACCCAGTTTTCGTTTTTTA-3'
Protein context (NP_001193856.1, residues 2023-2043): FIYQNEFLGC[Thr2033Ala]DRLVITPLTD